The following is an entry in ClinVar:

NM_002227.4(JAK1):c.1345G>A (p.Ala449Thr)

Gene: JAK1 (Janus kinase 1; minus strand). Cytogenetic location: 1p31.3.
Variant type: single nucleotide variant.
Coding change: c.1345G>A on transcript NM_002227.4 (MANE Select); coding-DNA position 1345, G replaced by A.
Protein change: p.Ala449Thr; replaces alanine 449 with threonine.
Molecular consequence: missense variant.
Genome position (GRCh38, 1-based): chr1:64,857,769, C>T on the plus strand (G>A on the coding strand, the complement: JAK1 is on the minus strand). VCF-style: chr1-64857769-C-T. GRCh37 (hg19) VCF-style: chr1-65323452-C-T.
Other names: c.1345G>A, p.Ala449Thr (NM_001320923.2, NM_001321852.2, NM_001321853.2 and 4 more transcripts); short protein forms A449T.
Identifiers: ClinVar variation 3622216 (VCV003622216.2).

ClinVar aggregate classification (germline): Uncertain significance (1 of 4 stars; one submission).

gnomAD v4.1: 9 of 1,614,130 alleles (0.00056%); highest among the groups gnomAD compares: East Asian, 0.0022%; no homozygotes.

Submission:

Labcorp Genetics (formerly Invitae), Labcorp
Classification: Uncertain significance. Last evaluated: 2024-02-23. Review status: criteria provided, single submitter. Criteria: Invitae Variant Classification Sherloc (09022015). Collection method: clinical testing. Allele origin: germline.
Comment: This sequence change replaces alanine, which is neutral and non-polar, with threonine, which is neutral and polar, at codon 449 of the JAK1 protein (p.Ala449Thr). This variant is present in population databases (rs765489448, gnomAD 0.004%). This variant has not been reported in the literature in individuals affected with JAK1-related conditions. Advanced modeling of protein sequence and biophysical properties (such as structural, functional, and spatial information, amino acid conservation, physicochemical variation, residue mobility, and thermodynamic stability) performed at Invitae indicates that this missense variant is not expected to disrupt JAK1 protein function with a negative predictive value of 80%. In summary, the available evidence is currently insufficient to determine the role of this variant in disease. Therefore, it has been classified as a Variant of Uncertain Significance.